The following is an entry in ClinVar:

ClinVar aggregate classification (germline): Benign. Review status: criteria provided, multiple submitters, no conflicts (2 of 4 stars). 3 submissions from 3 submitters: Benign (3). Last evaluated 2018-01-13.

Conditions:
Niemann-Pick disease, type A. Also called: SPHINGOMYELIN LIPIDOSIS; SPHINGOMYELINASE DEFICIENCY; Infantile Neurovisceral ASMD (Niemann-Pick Disease Type A; NPD-A). Identifiers: Orphanet 77292, MedGen C0268242, MONDO:0009756, OMIM 257200. Disease mechanism: loss of function.

Allele frequency attached by ClinVar (database versions not stated): gnomAD exomes 0.13077 and 0.13901; ExAC 0.13837; 1000 Genomes Project 0.14836; 1000 Genomes Project 30x 0.15178; ESP Exome Variant Server 0.16309; gnomAD 0.16664 and 0.17086; TOPMed 0.17157.
gnomAD v4.1: 217,128 of 1,531,524 alleles (14%); highest among the groups gnomAD compares: African/African-American, 28%; 16,955 homozygotes.

Submissions (3):

Illumina Laboratory Services, Illumina
Classification: Benign for Niemann-Pick disease, type A. Last evaluated: 2018-01-13. Review status: criteria provided, single submitter. Criteria: ICSL Variant Classification Criteria 13 December 2019. Collection method: clinical testing. Allele origin: germline.
Comment: This variant was observed in the ICSL laboratory as part of a predisposition screen in an ostensibly healthy population. It had not been previously curated by ICSL or reported in the Human Gene Mutation Database (HGMD: prior to June 1st, 2018), and was therefore a candidate for classification through an automated scoring system. Utilizing variant allele frequency, disease prevalence and penetrance estimates, and inheritance mode, an automated score was calculated to assess if this variant is too frequent to cause the disease. Based on the score and internal cut-off values, a variant classified as benign is not then subjected to further curation. The score for this variant resulted in a classification of benign for this disease.

GeneDx
Classification: Benign. Last evaluated: 2015-03-03. Review status: criteria provided, single submitter. Criteria: GeneDx Variant Classification Process June 2021. Collection method: clinical testing. Allele origin: germline. Affected: yes.

Breakthrough Genomics
Classification: Benign. Review status: criteria provided, single submitter. Criteria: ACMG Guidelines, 2015. Collection method: not provided. Allele origin: germline. Inheritance: Autosomal recessive inheritance. Affected: yes.

NM_000543.5(SMPD1):c.*45G>A

Gene: SMPD1 (sphingomyelin phosphodiesterase 1; plus strand). Cytogenetic location: 11p15.4.
Variant type: single nucleotide variant.
Coding change: c.*45G>A on transcript NM_000543.5 (MANE Select); 45 bases downstream of the stop codon, G replaced by A.
Molecular consequence: 3 prime UTR variant. On other transcripts: non-coding transcript variant (2).
Genome position (GRCh38, 1-based): chr11:6,394,652, G>A. VCF-style: chr11-6394652-G-A. GRCh37 (hg19) VCF-style: chr11-6415882-G-A.
Other names: c.*45G>A (NM_001007593.3, NM_001318088.2, NM_001365135.2); c.*434G>A (NM_001318087.2).
Identifiers: ClinVar variation 305208 (VCV000305208.8), dbSNP rs8164, ClinGen allele CA5853014.